The following is an entry in ClinVar:

ClinVar aggregate classification (germline): Likely pathogenic (1 of 4 stars; one submission).

Submission:

CeGaT Center for Human Genetics Tuebingen
Classification: Likely pathogenic. Last evaluated: 2023-12-01. Review status: criteria provided, single submitter. Criteria: CeGaT Center For Human Genetics Tuebingen Variant Classification Criteria Version 2. Collection method: clinical testing. Allele origin: germline. Affected: yes. Observed: 2 variant alleles.
Comment: TTN: PVS1:Strong, PM2

NM_001267550.2(TTN):c.65060del (p.Gly21687fs)

Genes: TTN (titin; minus strand), TTN-AS1 (TTN antisense RNA 1; plus strand). Cytogenetic location: 2q31.2.
Variant type: Deletion.
Coding change: c.65060del on transcript NM_001267550.2 (MANE Select); coding-DNA position 65060, one base deleted (G; older notation c.65060delG).
Protein change: p.Gly21687fs; shifts the reading frame from glycine 21687.
Molecular consequence: frameshift variant.
Genome position (GRCh38, 1-based): chr2:178,584,491, C deleted on the plus strand (G on the coding strand, the reverse complement: TTN is on the minus strand); the first of 2 consecutive C bases (chr2:178,584,491-178,584,492); deleting either gives the same sequence. VCF-style (leftmost placement, unchanged base first): chr2-178584490-TC-T. GRCh37 (hg19) VCF-style: chr2-179449217-TC-T.
Other names: c.60137del, p.Gly20046fs (NM_001256850.1); c.37865del, p.Gly12622fs (NM_003319.4); c.57356del, p.Gly19119fs (NM_133378.4); c.38240del, p.Gly12747fs (NM_133432.3); c.38441del, p.Gly12814fs (NM_133437.4); short protein forms G12622fs, G12747fs, G12814fs, G19119fs, G20046fs, G21687fs.
Identifiers: ClinVar variation 3026607 (VCV003026607.22), dbSNP rs2469141701, ClinGen allele CA2740096062.